The following is an entry in ClinVar:

ClinVar aggregate classification (germline): Likely benign (1 of 4 stars; one submission).

Conditions:
Glycogen storage disease, type II (IOPD). Also called: Pompe Disease; CARDIOMEGALIA GLYCOGENICA DIFFUSA; GLYCOGENOSIS, GENERALIZED, CARDIAC FORM; GSD II; POMPE DISEASE, INFANTILE-ONSET; GLYCOGEN STORAGE DISEASE II, INFANTILE-ONSET. Identifiers: Orphanet 365, MedGen C0017921, MONDO:0009290, OMIM 232300.

gnomAD v4.1: 14,571 of 1,520,122 alleles (0.96%); highest among the groups gnomAD compares: Admixed American, 10%; 398 homozygotes.

Submission:

Genomenon, Inc
Classification: Likely benign for Glycogen storage disease, type II. Last evaluated: 2026-07-01. Review status: criteria provided, single submitter. Criteria: Genomenon Sequence Variant Interpretation Standards - Updated. Collection method: curation. Allele origin: germline. Affected: no.
Comment: GAA c.2800-60G>A is an intronic variant located in intron 19. This variant has been reported in the published literature (PMID:33560568;18425781). This variant’s allele frequency in gnomAD is greater than expected for this disorder. In conclusion, we classify GAA c.2800-60G>A as a likely benign variant.

Literature cited by the submitters: PubMed 33560568; PubMed 18425781.

NM_000152.5(GAA):c.2800-60G>A

Gene: GAA (alpha glucosidase; plus strand). Cytogenetic location: 17q25.3.
Variant type: single nucleotide variant.
Coding change: c.2800-60G>A on transcript NM_000152.5 (MANE Select); 60 bases into the intron before coding-DNA position 2800, G replaced by A.
Molecular consequence: intron variant.
Genome position (GRCh38, 1-based): chr17:80,119,212, G>A. VCF-style: chr17-80119212-G-A. GRCh37 (hg19) VCF-style: chr17-78093011-G-A.
Other names: c.2800-60G>A (NM_001406741.1, NM_001406742.1, NM_001079803.3 and 1 more transcripts).
Identifiers: ClinVar variation 4876400 (VCV004876400.1).